The following is an entry in ClinVar:

ClinVar aggregate classification (germline): Uncertain significance (1 of 4 stars; one submission).

Conditions:
Charcot-Marie-Tooth disease type 4. Also called: Charcot-Marie-Tooth disease, type IV; Charcot-Marie-Tooth, Type 4. Identifiers: Orphanet 64749, MedGen C4082197, MONDO:0018995.

Allele frequency attached by ClinVar (database versions not stated): gnomAD exomes below 0.00001 and 0.00001; TOPMed 0.00003; gnomAD 0.00005; ESP Exome Variant Server 0.00008.
gnomAD v4.1: 12 of 1,612,692 alleles (0.00074%); highest among the groups gnomAD compares: African/African-American, 0.015%; no homozygotes.

Submission:

Labcorp Genetics (formerly Invitae), Labcorp
Classification: Uncertain significance for Charcot-Marie-Tooth disease type 4. Last evaluated: 2022-06-13. Review status: criteria provided, single submitter. Criteria: Invitae Variant Classification Sherloc (09022015). Collection method: clinical testing. Allele origin: germline.
Comment: In summary, the available evidence is currently insufficient to determine the role of this variant in disease. Therefore, it has been classified as a Variant of Uncertain Significance. Algorithms developed to predict the effect of missense changes on protein structure and function are either unavailable or do not agree on the potential impact of this missense change (SIFT: "Tolerated"; PolyPhen-2: "Possibly Damaging"; Align-GVGD: "Class C0"). ClinVar contains an entry for this variant (Variation ID: 1011012). This variant has not been reported in the literature in individuals affected with SBF2-related conditions. This variant is present in population databases (rs371380984, gnomAD 0.02%). This sequence change replaces leucine, which is neutral and non-polar, with isoleucine, which is neutral and non-polar, at codon 865 of the SBF2 protein (p.Leu865Ile).

NM_030962.4(SBF2):c.2593C>A (p.Leu865Ile)

Genes: SBF2 (SET binding factor 2; minus strand), LOC101928008 (uncharacterized LOC101928008; plus strand). Cytogenetic location: 11p15.4.
Variant type: single nucleotide variant.
Coding change: c.2593C>A on transcript NM_030962.4 (MANE Select); coding-DNA position 2593, C replaced by A.
Protein change: p.Leu865Ile; replaces leucine 865 with isoleucine.
Molecular consequence: missense variant.
Genome position (GRCh38, 1-based): chr11:9,852,693, G>T on the plus strand (C>A on the coding strand, the complement: SBF2 is on the minus strand). VCF-style: chr11-9852693-G-T. GRCh37 (hg19) VCF-style: chr11-9874240-G-T.
Other names: c.2593C>A, p.Leu865Ile (NM_001386339.1); c.2464C>A, p.Leu822Ile (NM_001386342.1); short protein forms L865I, L822I.
Identifiers: ClinVar variation 1011012 (VCV001011012.9), dbSNP rs371380984, ClinGen allele CA217620514.